The following is an entry in ClinVar:

NM_015338.6(ASXL1):c.3274G>A (p.Val1092Met)

Gene: ASXL1 (ASXL transcriptional regulator 1; plus strand). Cytogenetic location: 20q11.21.
Variant type: single nucleotide variant.
Coding change: c.3274G>A on transcript NM_015338.6 (MANE Select); coding-DNA position 3274, G replaced by A.
Protein change: p.Val1092Met; replaces valine 1092 with methionine.
Molecular consequence: missense variant.
Genome position (GRCh38, 1-based): chr20:32,435,986, G>A. VCF-style: chr20-32435986-G-A. GRCh37 (hg19) VCF-style: chr20-31023789-G-A.
Other names: c.3091G>A, p.Val1031Met (NM_001363734.1); short protein forms V1092M, V1031M.
Identifiers: ClinVar variation 1375225 (VCV001375225.7), dbSNP rs771806916, ClinGen allele CA9808786.

ClinVar aggregate classification (germline): Uncertain significance (1 of 4 stars; one submission).

Allele frequency attached by ClinVar (database versions not stated): ExAC 0.00003; gnomAD exomes 0.00004; TOPMed 0.00008; gnomAD 0.00011 and 0.00012.
gnomAD v4.1: 78 of 1,614,068 alleles (0.0048%); highest among the groups gnomAD compares: Middle Eastern, 0.082%; no homozygotes.

Submission:

Labcorp Genetics (formerly Invitae), Labcorp
Classification: Uncertain significance. Last evaluated: 2025-01-23. Review status: criteria provided, single submitter. Criteria: Invitae Variant Classification Sherloc (09022015). Collection method: clinical testing. Allele origin: germline.
Comment: This sequence change replaces valine, which is neutral and non-polar, with methionine, which is neutral and non-polar, at codon 1092 of the ASXL1 protein (p.Val1092Met). This variant is present in population databases (rs771806916, gnomAD 0.02%). This variant has not been reported in the literature in individuals affected with ASXL1-related conditions. ClinVar contains an entry for this variant (Variation ID: 1375225). An algorithm developed to predict the effect of missense changes on protein structure and function outputs the following: PolyPhen-2: "Benign". The methionine amino acid residue is found in multiple mammalian species, which suggests that this missense change does not adversely affect protein function. In summary, the available evidence is currently insufficient to determine the role of this variant in disease. Therefore, it has been classified as a Variant of Uncertain Significance.